The following is an entry in ClinVar:

ClinVar aggregate classification (germline): Uncertain significance. Review status: criteria provided, multiple submitters, no conflicts (2 of 4 stars). 2 submissions from 2 submitters: Uncertain significance (2). Last evaluated 2025-03-03.

Conditions:
Aortic aneurysm, familial thoracic 7 (AAT7). Also called: AORTIC DISSECTION, FAMILIAL, WITH OR WITHOUT AORTIC ANEURYSM. Identifiers: MedGen C3151077, MONDO:0013418, OMIM 613780.
Familial thoracic aortic aneurysm and aortic dissection (TAAD). Also called: Thoracic aortic aneurysms and dissections. Identifiers: Orphanet 91387, MedGen C4707243, MONDO:0019625.

gnomAD v4.1: 7 of 1,614,088 alleles (0.00043%); highest among the groups gnomAD compares: African/African-American, 0.0093%; no homozygotes.

Submissions (2):

Ambry Genetics
Classification: Uncertain significance for Familial thoracic aortic aneurysm and aortic dissection. Last evaluated: 2025-03-03. Review status: criteria provided, single submitter. Criteria: Ambry Variant Classification Scheme 2023. Collection method: clinical testing. Allele origin: germline.
Comment: The p.Q1417H variant (also known as c.4251G>C), located in coding exon 21 of the MYLK gene, results from a G to C substitution at nucleotide position 4251. The glutamine at codon 1417 is replaced by histidine, an amino acid with highly similar properties. This amino acid position is conserved. In addition, this alteration is predicted to be tolerated by in silico analysis. Based on the available evidence, the clinical significance of this variant remains unclear.

Labcorp Genetics (formerly Invitae), Labcorp
Classification: Uncertain significance for Aortic aneurysm, familial thoracic 7. Last evaluated: 2024-04-07. Review status: criteria provided, single submitter. Criteria: Invitae Variant Classification Sherloc (09022015). Collection method: clinical testing. Allele origin: germline.
Comment: This sequence change replaces glutamine, which is neutral and polar, with histidine, which is basic and polar, at codon 1417 of the MYLK protein (p.Gln1417His). This variant is present in population databases (no rsID available, gnomAD 0.007%). This variant has not been reported in the literature in individuals affected with MYLK-related conditions. Advanced modeling of protein sequence and biophysical properties (such as structural, functional, and spatial information, amino acid conservation, physicochemical variation, residue mobility, and thermodynamic stability) performed at Invitae indicates that this missense variant is not expected to disrupt MYLK protein function with a negative predictive value of 80%. In summary, the available evidence is currently insufficient to determine the role of this variant in disease. Therefore, it has been classified as a Variant of Uncertain Significance.

NM_053025.4(MYLK):c.4251G>C (p.Gln1417His)

Gene: MYLK (myosin light chain kinase; minus strand). Cytogenetic location: 3q21.1.
Variant type: single nucleotide variant.
Coding change: c.4251G>C on transcript NM_053025.4 (MANE Select); coding-DNA position 4251, G replaced by C.
Protein change: p.Gln1417His; replaces glutamine 1417 with histidine.
Molecular consequence: missense variant.
Genome position (GRCh38, 1-based): chr3:123,657,163, C>G on the plus strand (G>C on the coding strand, the complement: MYLK is on the minus strand). VCF-style: chr3-123657163-C-G. GRCh37 (hg19) VCF-style: chr3-123376010-C-G.
Other names: c.4251G>C (NM_053025.3); c.3723G>C, p.Gln1241His (NM_001321309.2); c.4044G>C, p.Gln1348His (NM_053026.4, NM_053028.4); c.4251G>C, p.Gln1417His (NM_053027.4); short protein forms Q1348H, Q1241H, Q1417H.
Identifiers: ClinVar variation 3713860 (VCV003713860.3).
Genomic context (GRCh38, chr3:123,657,163, plus strand): 5'-CTGATGAAGTGATGGCAGCCTACCTTCAGGTTTCTCTCCTACCGTTGTGAGTTCAGACTC[C>G]TGGCTTGGCTCACTGGTTCCATACACGTTGATTGCACGTACACGGAACTTATATTCGTGG-3'
Protein context (NP_444253.3, residues 1407-1427): INVYGTSEPS[Gln1417His]ESELTTVGEK